The following is an entry in ClinVar:

NM_012470.4(TNPO3):c.2767del (p.Arg923fs)

Gene: TNPO3 (transportin 3; minus strand). Cytogenetic location: 7q32.1.
Variant type: Deletion.
Coding change: c.2767del on transcript NM_012470.4 (MANE Select); coding-DNA position 2767, one base deleted (C; older notation c.2767delC).
Protein change: p.Arg923fs; shifts the reading frame from arginine 923.
Molecular consequence: frameshift variant. On other transcripts: non-coding transcript variant (18), intron variant (2).
Genome position (GRCh38, 1-based): chr7:128,957,260, G deleted on the plus strand (C on the coding strand, the reverse complement: TNPO3 is on the minus strand). VCF-style (leftmost placement, unchanged base first): chr7-128957259-CG-C. GRCh37 (hg19) VCF-style: chr7-128597313-CG-C.
Other names: NM_012470.4(TNPO3):c.2767del; p.Arg923fs; c.2575del, p.Arg859fs (NM_001191028.3); c.2869del, p.Arg957fs (NM_001382216.1); c.2848del, p.Arg950fs (NM_001382217.1); c.2659del, p.Arg887fs (NM_001382219.1); c.2626del, p.Arg876fs (NM_001382220.1); c.2623del, p.Arg875fs (NM_001382221.1); and 4 more; short protein forms R859fs, R923fs, R874fs, R875fs, R876fs, R887fs, R950fs, R957fs.
Identifiers: ClinVar variation 591000 (VCV000591000.14), dbSNP rs1563083759, ClinGen allele CA913189615.

ClinVar aggregate classification (germline): Likely pathogenic. Review status: criteria provided, multiple submitters, no conflicts (2 of 4 stars). 3 submissions from 3 submitters: Likely pathogenic (2). 1 of the submissions does not count toward it. Last evaluated 2024-11-21.

Conditions:
Autosomal dominant limb-girdle muscular dystrophy type 1F (LGMDD2). Also called: MUSCULAR DYSTROPHY, LIMB-GIRDLE, AUTOSOMAL DOMINANT 2; Limb-girdle muscular dystrophy, type 1F. Identifiers: Orphanet 55595, MedGen C1842062, MONDO:0012034, OMIM 608423.
Muscular dystrophy, limb-girdle, autosomal dominant. Also called: Autosomal dominant form of limb-girdle muscular dystrophy. Identifiers: Orphanet 102014, MedGen C5675009, MONDO:0015151.

Submissions (3):

Broad Center for Mendelian Genomics, Broad Institute of MIT and Harvard
Classification: Likely pathogenic for Muscular dystrophy, limb-girdle, autosomal dominant. Last evaluated: 2024-11-21. Review status: criteria provided, single submitter. Criteria: ACMG Guidelines, 2015. Collection method: curation. Allele origin: germline. Inheritance: Autosomal dominant inheritance. Study: GREGoR Consortium.
Comment: The heterozygous p.Arg923AspfsTer17 variant was identified by our study in 2 affected siblings with limb-girdle muscular dystrophy. The p.Arg923AspfsTer17 variant has been reported in 2 affected individuals with autosomal dominant limb-girdle muscular dystrophy (PMID: 31071488). This variant was absent from large population studies. The number of reported affected individuals with this variant is slightly greater than expected compared to non-affected individuals with this variant. This variant has also been reported in ClinVar (Variation ID: 591000) and has been interpreted as likely pathogenic by Labcorp and Department of Medical Genetics (University of Pecs). This variant causes a frameshift which abolishes the native stop codon and extends the protein an additional 15 amino acids. Other c-terminal extending proteins in TNPO3 have been seen in individuals with limb-girlde muscular dystrophy (PMID: 23543484). Heterozygous loss of function of the TNPO3 gene is an established disease mechanism in limb-girdle muscular dystrophy. In summary, although additional studies are required to fully establish its clinical significance, this variant is likely pathogenic for autosomal dominant limb-girdle muscular dystrophy. ACMG/AMP Criteria applied: PVS1_strong, PM2_supporting, PS4_supporting (Richards 2015).

Labcorp Genetics (formerly Invitae), Labcorp
Classification: Likely pathogenic for Autosomal dominant limb-girdle muscular dystrophy type 1F. Last evaluated: 2022-03-09. Review status: criteria provided, single submitter. Criteria: Invitae Variant Classification Sherloc (09022015). Collection method: clinical testing. Allele origin: germline.
Comment: This sequence change results in a frameshift in the TNPO3 gene (p.Arg923Aspfs*17). While this is not anticipated to result in nonsense mediated decay, it is expected to disrupt the last 1 amino acid(s) of the TNPO3 protein and extend the protein by 15 additional amino acid residues. In summary, the currently available evidence indicates that the variant is pathogenic, but additional data are needed to prove that conclusively. Therefore, this variant has been classified as Likely Pathogenic. This variant results in an extension of the TNPO3 protein. Other variant(s) that result in a similarly extended protein product (p.*924Cysext*15) have been determined to be pathogenic (PMID: 23543484, 23667635). This suggests that these extensions are likely to be disease-causing. ClinVar contains an entry for this variant (Variation ID: 591000). This frameshift has been observed in at least one individual who was not affected with TNPO3-related conditions (Invitae). This frameshift has been observed in individual(s) with limb-girdle muscular dystrophy (PMID: 31071488, 31217819). It has also been observed to segregate with disease in related individuals. This variant is not present in population databases (gnomAD no frequency).

Department of Medical Genetics, University of Pecs
Classification: Likely pathogenic for Autosomal dominant limb-girdle muscular dystrophy type 1F. Last evaluated: 2018-09-10. Review status: no assertion criteria provided. Collection method: clinical testing. Allele origin: de novo. Inheritance: Autosomal dominant inheritance. Affected: yes. Observed: 1 heterozygote. Not counted in ClinVar's aggregate classification.
Comment: The c.2767delC (p.Arg923Aspfs*17) variant was predicted to cause truncated protein. Other dominant truncating mutations in the TNPO3 protein are reported to cause Limb-Girdle Muscular Dystrophy type 1F (LGMD1F) (Gamez J. et al. 2001). The variant has not been previously seen in presumed healthy control databases (ExAC, 1000Genomes, EVS).

Literature cited by the submitters: PubMed 23543484 (cited by Labcorp Genetics (formerly Invitae), Labcorp); PubMed 23667635 (cited by Labcorp Genetics (formerly Invitae), Labcorp); PubMed 31071488 (cited by Labcorp Genetics (formerly Invitae), Labcorp); PubMed 31217819 (cited by Labcorp Genetics (formerly Invitae), Labcorp).